The following is an entry in ClinVar:

NM_002439.5(MSH3):c.1890C>G (p.His630Gln)

Gene: MSH3 (mutS homolog 3; plus strand). Cytogenetic location: 5q14.1.
Variant type: single nucleotide variant.
Coding change: c.1890C>G on transcript NM_002439.5 (MANE Select); coding-DNA position 1890, C replaced by G.
Protein change: p.His630Gln; replaces histidine 630 with glutamine.
Molecular consequence: missense variant.
Genome position (GRCh38, 1-based): chr5:80,761,672, C>G. VCF-style: chr5-80761672-C-G. GRCh37 (hg19) VCF-style: chr5-80057491-C-G.
Other names: short protein forms H630Q.
Identifiers: ClinVar variation 2124531 (VCV002124531.4), dbSNP rs2546770122, ClinGen allele CA360276734.
Genomic context (GRCh38, chr5:80,761,672, plus strand): 5'-GATAGAAAATCATCTACGTAAATTGCCCGACATAGAGAGGGGACTCTGTAGCATTTATCA[C>G]AAAAAAGTAAGTGTGATAGAAATCTATTAAAGCTGACAGTGTTCTTCAGCTTGAGGACAC-3'
Protein context (NP_002430.3, residues 620-640): DIERGLCSIY[His630Gln]KKCSTQEFFL

ClinVar aggregate classification (germline): Uncertain significance (1 of 4 stars; one submission).

Allele frequency attached by ClinVar (database versions not stated): gnomAD exomes below 0.00001.
gnomAD v4.1: 1 of 1,613,864 alleles (0.000062%); highest among the groups gnomAD compares: Non-Finnish European, 0.000085%; no homozygotes.

Submission:

Labcorp Genetics (formerly Invitae), Labcorp
Classification: Uncertain significance. Last evaluated: 2024-10-08. Review status: criteria provided, single submitter. Criteria: Invitae Variant Classification Sherloc (09022015). Collection method: clinical testing. Allele origin: germline.
Comment: This sequence change replaces histidine, which is basic and polar, with glutamine, which is neutral and polar, at codon 630 of the MSH3 protein (p.His630Gln). This variant is not present in population databases (gnomAD no frequency). This variant has not been reported in the literature in individuals affected with MSH3-related conditions. ClinVar contains an entry for this variant (Variation ID: 2124531). An algorithm developed to predict the effect of missense changes on protein structure and function (PolyPhen-2) suggests that this variant is likely to be disruptive. In summary, the available evidence is currently insufficient to determine the role of this variant in disease. Therefore, it has been classified as a Variant of Uncertain Significance.